The following is an entry in ClinVar:

NM_006267.5(RANBP2):c.3689T>G (p.Ile1230Ser)

Gene: RANBP2 (RAN binding protein 2; plus strand). Cytogenetic location: 2q13.
Variant type: single nucleotide variant.
Coding change: c.3689T>G on transcript NM_006267.5 (MANE Select); coding-DNA position 3689, T replaced by G.
Protein change: p.Ile1230Ser; replaces isoleucine 1230 with serine.
Molecular consequence: missense variant.
Genome position (GRCh38, 1-based): chr2:108,764,228, T>G. VCF-style: chr2-108764228-T-G. GRCh37 (hg19) VCF-style: chr2-109380684-T-G.
Other names: short protein forms I1230S.
Identifiers: ClinVar variation 953687 (VCV000953687.10), dbSNP rs1676950167, ClinGen allele CA348063143.

ClinVar aggregate classification (germline): Uncertain significance (1 of 4 stars; one submission).

Conditions:
Familial acute necrotizing encephalopathy (IIAE3). Also called: ENCEPHALOPATHY, ACUTE, INFECTION-INDUCED, SUSCEPTIBILITY TO, 3; Susceptibility to Acute Necrotizing Encephalopathy 1. Identifiers: Orphanet 88619, MedGen C2675556, MONDO:0011953, OMIM 608033.

Submission:

Labcorp Genetics (formerly Invitae), Labcorp
Classification: Uncertain significance for Familial acute necrotizing encephalopathy. Last evaluated: 2024-08-31. Review status: criteria provided, single submitter. Criteria: Invitae Variant Classification Sherloc (09022015). Collection method: clinical testing. Allele origin: germline.
Comment: This sequence change replaces isoleucine, which is neutral and non-polar, with serine, which is neutral and polar, at codon 1230 of the RANBP2 protein (p.Ile1230Ser). This variant is not present in population databases (gnomAD no frequency). This variant has not been reported in the literature in individuals affected with RANBP2-related conditions. ClinVar contains an entry for this variant (Variation ID: 953687). An algorithm developed to predict the effect of missense changes on protein structure and function (PolyPhen-2) suggests that this variant is likely to be tolerated. In summary, the available evidence is currently insufficient to determine the role of this variant in disease. Therefore, it has been classified as a Variant of Uncertain Significance.